The following is an entry in ClinVar:

ClinVar aggregate classification (germline): Uncertain significance (1 of 4 stars; one submission).

Conditions:
Emery-Dreifuss muscular dystrophy (EDMD). Also called: Scapuloperoneal syndrome, X-linked (formerly); Humeroperoneal neuromuscular disease, (formerly). Identifiers: Orphanet 261, MedGen C0410189, MONDO:0016830.

Allele frequency attached by ClinVar (database versions not stated): ExAC 0.00002; gnomAD 0.00002.
gnomAD v4.1: 72 of 1,613,666 alleles (0.0045%); highest among the groups gnomAD compares: East Asian, 0.098%; no homozygotes.

Submission:

Labcorp Genetics (formerly Invitae), Labcorp
Classification: Uncertain significance for Emery-Dreifuss muscular dystrophy. Last evaluated: 2023-01-27. Review status: criteria provided, single submitter. Criteria: Invitae Variant Classification Sherloc (09022015). Collection method: clinical testing. Allele origin: germline.
Comment: In summary, the available evidence is currently insufficient to determine the role of this variant in disease. Therefore, it has been classified as a Variant of Uncertain Significance. Variants that disrupt the consensus splice site are a relatively common cause of aberrant splicing (PMID: 17576681, 9536098). Algorithms developed to predict the effect of sequence changes on RNA splicing suggest that this variant is not likely to affect RNA splicing. This variant has not been reported in the literature in individuals affected with SUN2-related conditions. This variant is present in population databases (rs781734474, gnomAD 0.04%). This sequence change falls in intron 17 of the SUN2 gene. It does not directly change the encoded amino acid sequence of the SUN2 protein. It affects a nucleotide within the consensus splice site.

Literature cited by the submitters: PubMed 17576681; PubMed 9536098.

NM_015374.3(SUN2):c.2040+5G>A

Genes: GTPBP1 (GTP binding protein 1; plus strand), SUN2 (Sad1 and UNC84 domain containing 2; minus strand). Cytogenetic location: 22q13.1.
Variant type: single nucleotide variant.
Coding change: c.2040+5G>A on transcript NM_015374.3 (MANE Select); 5 bases into the intron after coding-DNA position 2040, G replaced by A.
Molecular consequence: intron variant. On other transcripts: missense variant (1).
Genome position (GRCh38, 1-based): chr22:38,738,168, C>T on the plus strand (G>A on the coding strand, the complement: SUN2 is on the minus strand). VCF-style: chr22-38738168-C-T. GRCh37 (hg19) VCF-style: chr22-39134173-C-T.
Other names: c.2045G>A, p.Arg682Gln (NM_001394431.1); c.1548+5G>A (NM_001394443.1); c.1950+5G>A (NM_001394438.1); c.1902+5G>A (NM_001394439.1, NM_001394441.1, NM_001394440.1); c.1464+5G>A (NM_001394444.1, NM_001394445.1); c.1641+5G>A (NM_001394442.1); c.2037+5G>A (NM_001394437.1, NM_001394436.1); c.2133+5G>A (NM_001394427.1); and 3 more; short protein forms R682Q.
Identifiers: ClinVar variation 2050968 (VCV002050968.4), dbSNP rs781734474, ClinGen allele CA10235350.